The following is an entry in ClinVar:

NM_199420.4(POLQ):c.7647A>T (p.Glu2549Asp)

Gene: POLQ (DNA polymerase theta; minus strand). Cytogenetic location: 3q13.33.
Variant type: single nucleotide variant.
Coding change: c.7647A>T on transcript NM_199420.4 (MANE Select); coding-DNA position 7647, A replaced by T.
Protein change: p.Glu2549Asp; replaces glutamic acid 2549 with aspartic acid.
Molecular consequence: missense variant.
Genome position (GRCh38, 1-based): chr3:121,432,930, T>A on the plus strand (A>T on the coding strand, the complement: POLQ is on the minus strand). VCF-style: chr3-121432930-T-A. GRCh37 (hg19) VCF-style: chr3-121151777-T-A.
Other names: short protein forms E2549D.
Identifiers: ClinVar variation 1759959 (VCV001759959.3), dbSNP rs2047508976, ClinGen allele CA354093503.
Genomic context (GRCh38, chr3:121,432,930, plus strand): 5'-ACAGTGTCTTGTCTTCCTATGGAATGGACACAAGCATTGCAAAAATACCTGAACAACATC[T>A]TCTTCTGCCACTTCATATAGGAGTTCATCATGGAGTTGAAGGATGAAGAAGCCTCCTCTG-3'
Protein context (NP_955452.3, residues 2539-2559): HDELLYEVAE[Glu2549Asp]DVVQVAQIVK

ClinVar aggregate classification (germline): Uncertain significance (1 of 4 stars; one submission).

Allele frequency attached by ClinVar (database versions not stated): TOPMed below 0.00001; gnomAD 0.00001; gnomAD exomes 0.00001.
gnomAD v4.1: 14 of 1,585,416 alleles (0.00088%); highest among the groups gnomAD compares: East Asian, 0.0022%; no homozygotes.

Submission:

Ambry Genetics
Classification: Uncertain significance. Last evaluated: 2024-07-02. Review status: criteria provided, single submitter. Criteria: Ambry Variant Classification Scheme 2023. Collection method: clinical testing. Allele origin: germline.
Comment: The p.E2549D variant (also known as c.7647A>T), located in coding exon 29 of the POLQ gene, results from an A to T substitution at nucleotide position 7647. The glutamic acid at codon 2549 is replaced by aspartic acid, an amino acid with highly similar properties. This amino acid position is conserved. In addition, this alteration is predicted to be tolerated by in silico analysis. Since supporting evidence is limited at this time, the clinical significance of this alteration remains unclear.